The following is an entry in ClinVar:

NM_181078.3(IL21R):c.785+16G>C

Gene: IL21R (interleukin 21 receptor; plus strand). Cytogenetic location: 16p12.1.
Variant type: single nucleotide variant.
Coding change: c.785+16G>C on transcript NM_181078.3 (MANE Select); 16 bases into the intron after coding-DNA position 785, G replaced by C.
Molecular consequence: intron variant.
Genome position (GRCh38, 1-based): chr16:27,445,292, G>C. VCF-style: chr16-27445292-G-C. GRCh37 (hg19) VCF-style: chr16-27456613-G-C.
Other names: c.851+16G>C (NM_181079.5); c.785+16G>C (NM_021798.4).
Identifiers: ClinVar variation 1170239 (VCV001170239.16), dbSNP rs963154, ClinGen allele CA7975051.

ClinVar aggregate classification (germline): Benign. Review status: criteria provided, multiple submitters, no conflicts (2 of 4 stars). 6 submissions from 6 submitters: Benign (6). Last evaluated 2026-02-04.

Conditions:
Cryptosporidiosis-chronic cholangitis-liver disease syndrome. Also called: IL21R immunodeficiency; Immunodeficiency type 56. Identifiers: Orphanet 357329, MedGen C3554687, MONDO:0014082, OMIM 615207.

Allele frequency attached by ClinVar (database versions not stated): 1000 Genomes Project 0.27316; gnomAD exomes 0.27473; 1000 Genomes Project 30x 0.28092; ExAC 0.28937; gnomAD 0.34462 and 0.35683; TOPMed 0.34593; ESP Exome Variant Server 0.36155.

Submissions (6):

Labcorp Genetics (formerly Invitae), Labcorp
Classification: Benign for Cryptosporidiosis-chronic cholangitis-liver disease syndrome. Last evaluated: 2026-02-04. Review status: criteria provided, single submitter. Criteria: Invitae Variant Classification Sherloc (09022015). Collection method: clinical testing. Allele origin: germline.

Women's Health and Genetics/Laboratory Corporation of America, LabCorp
Classification: Benign. Last evaluated: 2026-01-21. Review status: criteria provided, single submitter. Criteria: LabCorp Variant Classification Summary - May 2015. Collection method: clinical testing. Allele origin: germline.

Blueprint Genetics
Classification: Benign. Last evaluated: 2024-11-27. Review status: criteria provided, single submitter. Criteria: ACMG Guidelines, 2015. Collection method: clinical testing. Allele origin: germline.

Unidad de Genómica Garrahan, Hospital de Pediatría Garrahan
Classification: Benign. Last evaluated: 2023-11-12. Review status: criteria provided, single submitter. Criteria: ACMG Guidelines, 2015. Collection method: clinical testing. Allele origin: germline. Affected: no. Observed: 44 variant alleles.
Comment: This variant is classified as Benign based on local population frequency. This variant was detected in 46% of patients studied by a panel of primary immunodeficiencies. Number of patients: 44. Only high quality variants are reported.

GeneDx
Classification: Benign. Last evaluated: 2021-06-19. Review status: criteria provided, single submitter. Criteria: GeneDx Variant Classification Process June 2021. Collection method: clinical testing. Allele origin: germline. Affected: yes.

Breakthrough Genomics
Classification: Benign. Review status: criteria provided, single submitter. Criteria: ACMG Guidelines, 2015. Collection method: not provided. Allele origin: germline. Inheritance: Autosomal recessive inheritance. Affected: yes.